The following is an entry in ClinVar:

ClinVar aggregate classification (germline): Likely benign (1 of 4 stars; one submission).

Allele frequency attached by ClinVar (database versions not stated): 1000 Genomes Project 0.00020; gnomAD 0.00042 and 0.00044; TOPMed 0.00056; 1000 Genomes Project 30x 0.00016.
gnomAD v4.1: 143 of 1,498,880 alleles (0.0095%); highest among the groups gnomAD compares: African/African-American, 0.16%; no homozygotes.

Submission:

GeneDx
Classification: Likely benign. Last evaluated: 2016-12-12. Review status: criteria provided, single submitter. Criteria: GeneDx Variant Classification (06012015). Collection method: clinical testing. Allele origin: germline. Affected: yes.
Comment: This variant is considered likely benign or benign based on one or more of the following criteria: it is a conservative change, it occurs at a poorly conserved position in the protein, it is predicted to be benign by multiple in silico algorithms, and/or has population frequency not consistent with disease.

NM_001042432.2(CLN3):c.-76-14G>A

Gene: CLN3 (CLN3 lysosomal/endosomal transmembrane protein, battenin; minus strand). Cytogenetic location: 16p12.1.
Variant type: single nucleotide variant.
Coding change: c.-76-14G>A on transcript NM_001042432.2 (MANE Select); 14 bases into the intron before 76 bases upstream of the start codon, G replaced by A.
Molecular consequence: intron variant. On other transcripts: 5 prime UTR variant (4).
Genome position (GRCh38, 1-based): chr16:28,491,849, C>T on the plus strand (G>A on the coding strand, the complement: CLN3 is on the minus strand). VCF-style: chr16-28491849-C-T. GRCh37 (hg19) VCF-style: chr16-28503170-C-T.
Other names: c.-90G>A (NM_000086.2); c.-231G>A (NM_001286105.2); c.-173G>A (NM_001286109.2, NM_001286110.2); c.-76-14G>A (NM_001286104.2).
Identifiers: ClinVar variation 205090 (VCV000205090.1), dbSNP rs368542813, ClinGen allele CA313709.